The following is an entry in ClinVar:

ClinVar aggregate classification (germline): Likely benign (1 of 4 stars; one submission).

Submission:

CeGaT Center for Human Genetics Tuebingen
Classification: Likely benign. Last evaluated: 2023-04-01. Review status: criteria provided, single submitter. Criteria: CeGaT Center For Human Genetics Tuebingen Variant Classification Criteria Version 2. Collection method: clinical testing. Allele origin: germline. Affected: yes. Observed: 2 variant alleles.
Comment: MAZ: BP4, BS2

NM_002383.4(MAZ):c.1108-5_1108-3del

Gene: MAZ (MYC associated zinc finger protein; plus strand). Cytogenetic location: 16p11.2.
Variant type: Microsatellite.
Coding change: c.1108-5_1108-3del on transcript NM_002383.4 (MANE Select); 5 bases into the intron before coding-DNA position 1108 through 3 bases into the intron before coding-DNA position 1108, 3 bases deleted (CTC; older notation c.1108-5_1108-3delCTC).
Molecular consequence: intron variant.
Genome position (GRCh38, 1-based): chr16:29,808,565-29,808,567, CTC deleted; deleting any 3 consecutive bases within chr16:29,808,561-29,808,567 gives the same sequence; the c. name uses the placement nearest the transcript's 3' end. VCF-style (leftmost placement, unchanged base first): chr16-29808560-CCCT-C. GRCh37 (hg19) VCF-style: chr16-29819881-CCCT-C.
Other names: c.1039-5_1039-3del (NM_001276275.2); c.1108-5_1108-3del (NM_001042539.3); c.193-5_193-3del (NM_001276276.2).
Identifiers: ClinVar variation 2646367 (VCV002646367.24), dbSNP rs572754024, ClinGen allele CA7994058.
Genomic context (GRCh38, chr16:29,808,560, plus strand): 5'-CTCCCCCCTCCCCAGCCCACCAAGCTTTAACTCTCCTGTGACACCCCCCACGCCCCTCCC[CCCT>C]CCTCAGAAATGTGAGGCAGCTTTCGCCACGAAGGATCGGCTGCGGGCGCACACAGTACGA-3'